The following is an entry in ClinVar:

NM_020975.6(RET):c.1958C>G (p.Ser653Cys)

Gene: RET (ret proto-oncogene; plus strand). Cytogenetic location: 10q11.21.
Variant type: single nucleotide variant.
Coding change: c.1958C>G on transcript NM_020975.6 (MANE Select); coding-DNA position 1958, C replaced by G.
Protein change: p.Ser653Cys; replaces serine 653 with cysteine.
Molecular consequence: missense variant.
Genome position (GRCh38, 1-based): chr10:43,114,558, C>G. VCF-style: chr10-43114558-C-G. GRCh37 (hg19) VCF-style: chr10-43610006-C-G.
Other names: c.1958C>G, p.Ser653Cys (NM_000323.2, NM_001406743.1, NM_001406744.1 and 4 more transcripts); c.1196C>G, p.Ser399Cys (NM_001355216.2); c.1829C>G, p.Ser610Cys (NM_001406761.1, NM_001406762.1, NM_001406764.1); c.1670C>G, p.Ser557Cys (NM_001406766.1, NM_001406767.1, NM_001406770.1); c.1562C>G, p.Ser521Cys (NM_001406769.1, NM_001406772.1); c.1520C>G, p.Ser507Cys (NM_001406771.1, NM_001406773.1); c.1433C>G, p.Ser478Cys (NM_001406774.1); c.1232C>G, p.Ser411Cys (NM_001406775.1, NM_001406776.1, NM_001406777.1 and 1 more transcripts); and 7 more; short protein forms S653C, S399C, S411C, S323C, S478C, S507C, S218C, S311C.
Identifiers: ClinVar variation 477334 (VCV000477334.15), dbSNP rs753724503, ClinGen allele CA036691.
Genomic context (GRCh38, chr10:43,114,558, plus strand): 5'-TGTGCCGCACGGTGATCGCAGCCGCTGTCCTCTTCTCCTTCATCGTCTCGGTGCTGCTGT[C>G]TGCCTTCTGCATCCACTGCTACCACAAGTTTGCCCACAAGCCACCCATCTCCTCAGCTGA-3'
Protein context (NP_066124.1, residues 643-663): LFSFIVSVLL[Ser653Cys]AFCIHCYHKF

ClinVar aggregate classification (germline): Conflicting classifications of pathogenicity. Review status: criteria provided, conflicting classifications (1 of 4 stars). 4 submissions from 4 submitters: Uncertain significance (3); Likely benign (1). Last evaluated 2026-03-03.

Conditions:
Hereditary cancer-predisposing syndrome. Also called: Neoplastic Syndromes, Hereditary; Tumor predisposition; Hereditary neoplastic syndrome; Hereditary Cancer Syndrome. Identifiers: Orphanet 140162, MedGen C0027672, MeSH D009386, MONDO:0015356.
Multiple endocrine neoplasia, type 2 (MEN2). Identifiers: Orphanet 653, MedGen C4048306, MONDO:0019003. Disease mechanism: gain of function.

Allele frequency attached by ClinVar (database versions not stated): gnomAD exomes below 0.00001 and 0.00004; TOPMed 0.00001; ExAC 0.00001; gnomAD 0.00001.
gnomAD v4.1: 59 of 1,611,690 alleles (0.0037%); highest among the groups gnomAD compares: Non-Finnish European, 0.005%; no homozygotes.

Submissions (4):

GeneDx
Classification: Uncertain significance. Last evaluated: 2026-03-03. Review status: criteria provided, single submitter. Criteria: GeneDx Variant Classification Process June 2021. Collection method: clinical testing. Allele origin: germline.
Comment: Not observed at significant frequency in large population cohorts (gnomAD); In silico analysis supports that this missense variant has a deleterious effect on protein structure/function; Has not been previously published as pathogenic or benign to our knowledge; This variant is associated with the following publications: (PMID: 14633923)

Labcorp Genetics (formerly Invitae), Labcorp
Classification: Uncertain significance for Multiple endocrine neoplasia, type 2. Last evaluated: 2025-07-16. Review status: criteria provided, single submitter. Criteria: Invitae Variant Classification Sherloc (09022015). Collection method: clinical testing. Allele origin: germline.
Comment: This sequence change replaces serine, which is neutral and polar, with cysteine, which is neutral and slightly polar, at codon 653 of the RET protein (p.Ser653Cys). This variant is present in population databases (rs753724503, gnomAD 0.002%). This variant has not been reported in the literature in individuals affected with RET-related conditions. ClinVar contains an entry for this variant (Variation ID: 477334). An algorithm developed to predict the effect of missense changes on protein structure and function (PolyPhen-2) suggests that this variant is likely to be disruptive. In summary, the available evidence is currently insufficient to determine the role of this variant in disease. Therefore, it has been classified as a Variant of Uncertain Significance.

Color Diagnostics, LLC DBA Color Health
Classification: Uncertain significance for Multiple endocrine neoplasia, type 2. Last evaluated: 2024-06-20. Review status: criteria provided, single submitter. Criteria: ACMG Guidelines, 2015. Collection method: clinical testing. Allele origin: germline.
Comment: This missense variant replaces serine with cysteine at codon 653 of the RET protein. Computational prediction suggests that this variant may have deleterious impact on protein structure and function. To our knowledge, functional studies have not been reported for this variant. This variant has not been reported as a germline variant in individuals affected with RET-related cancer in the literature. This variant has been identified in 2/281474 chromosomes in the general population by the Genome Aggregation Database (gnomAD). The available evidence is insufficient to determine the role of this variant in disease conclusively. Therefore, this variant is classified as a Variant of Uncertain Significance.

Ambry Genetics
Classification: Likely benign for Hereditary cancer-predisposing syndrome. Last evaluated: 2023-05-19. Review status: criteria provided, single submitter. Criteria: Ambry Variant Classification Scheme 2023. Collection method: clinical testing. Allele origin: germline.